The following is an entry in ClinVar:

NM_000742.4(CHRNA2):c.392C>T (p.Thr131Ile)

Gene: CHRNA2 (cholinergic receptor nicotinic alpha 2 subunit; minus strand). Cytogenetic location: 8p21.2.
Variant type: single nucleotide variant.
Coding change: c.392C>T on transcript NM_000742.4 (MANE Select); coding-DNA position 392, C replaced by T.
Protein change: p.Thr131Ile; replaces threonine 131 with isoleucine.
Molecular consequence: missense variant. On other transcripts: 5 prime UTR variant (4).
Genome position (GRCh38, 1-based): chr8:27,467,286, G>A on the plus strand (C>T on the coding strand, the complement: CHRNA2 is on the minus strand). VCF-style: chr8-27467286-G-A. GRCh37 (hg19) VCF-style: chr8-27324803-G-A.
Other names: c.347C>T, p.Thr116Ile (NM_001282455.2); c.-81C>T (NM_001347705.2, NM_001347706.2); c.-67C>T (NM_001347707.2); c.-70C>T (NM_001347708.2); short protein forms T116I, T131I.
Identifiers: ClinVar variation 2785959 (VCV002785959.3), dbSNP rs2490558926, ClinGen allele CA370812572.

ClinVar aggregate classification (germline): Uncertain significance (1 of 4 stars; one submission).

Conditions:
Familial sleep-related hypermotor epilepsy. Also called: Autosomal Dominant Sleep-Related Hypermotor (Hyperkinetic) Epilepsy. Identifiers: Orphanet 98784, MedGen C3696898, MONDO:0000030.

Submission:

Labcorp Genetics (formerly Invitae), Labcorp
Classification: Uncertain significance. Last evaluated: 2025-03-31. Review status: criteria provided, single submitter. Criteria: Invitae Variant Classification Sherloc (09022015). Collection method: clinical testing. Allele origin: germline.
Comment: This sequence change replaces threonine, which is neutral and polar, with isoleucine, which is neutral and non-polar, at codon 131 of the CHRNA2 protein (p.Thr131Ile). This variant is not present in population databases (gnomAD no frequency). This variant has not been reported in the literature in individuals affected with CHRNA2-related conditions. This missense change has been observed in at least one individual who was not affected with CHRNA2-related conditions (internal data). ClinVar contains an entry for this variant (Variation ID: 2785959). Invitae Evidence Modeling of protein sequence and biophysical properties (such as structural, functional, and spatial information, amino acid conservation, physicochemical variation, residue mobility, and thermodynamic stability) indicates that this missense variant is expected to disrupt CHRNA2 protein function with a positive predictive value of 80%. In summary, the available evidence is currently insufficient to determine the role of this variant in disease. Therefore, it has been classified as a Variant of Uncertain Significance.